The following is an entry in ClinVar:

ClinVar aggregate classification (germline): Pathogenic (1 of 4 stars; one submission).

Allele frequency attached by ClinVar (database versions not stated): gnomAD exomes 0.00001.

Submission:

Labcorp Genetics (formerly Invitae), Labcorp
Classification: Pathogenic. Last evaluated: 2023-04-06. Review status: criteria provided, single submitter. Criteria: Invitae Variant Classification Sherloc (09022015). Collection method: clinical testing. Allele origin: germline.
Comment: This sequence change creates a premature translational stop signal (p.Gln60Hisfs*5) in the ASNS gene. It is expected to result in an absent or disrupted protein product. Loss-of-function variants in ASNS are known to be pathogenic (PMID: 27422383, 30057589). This variant is not present in population databases (gnomAD no frequency). This variant has not been reported in the literature in individuals affected with ASNS-related conditions. For these reasons, this variant has been classified as Pathogenic.

Literature cited by the submitters: PubMed 27422383; PubMed 30057589.

NM_001673.5(ASNS):c.180del (p.Gln60fs)

Genes: ASNS (asparagine synthetase (glutamine-hydrolyzing); minus strand), CZ1P-ASNS (CZ1P-ASNS readthrough; minus strand). Cytogenetic location: 7q21.3.
Variant type: Deletion.
Coding change: c.180del on transcript NM_001673.5 (MANE Select); coding-DNA position 180, one base deleted (G; older notation c.180delG).
Protein change: p.Gln60fs; shifts the reading frame from glutamine 60.
Molecular consequence: frameshift variant. On other transcripts: non-coding transcript variant (1), intron variant (2).
Genome position (GRCh38, 1-based): chr7:97,868,977, C deleted on the plus strand (G on the coding strand, the reverse complement: ASNS is on the minus strand). VCF-style (leftmost placement, unchanged base first): chr7-97868976-GC-G. GRCh37 (hg19) VCF-style: chr7-97498288-GC-G.
Other names: c.117del, p.Gln39fs (NM_001178075.2); c.180del, p.Gln60fs (NM_001352496.2, NM_133436.3, NM_183356.4); c.-1+3374del (NM_001178076.2); c.-1+3064del (NM_001178077.1); short protein forms Q60fs, Q39fs.
Identifiers: ClinVar variation 2852381 (VCV002852381.3), dbSNP rs2484697936, ClinGen allele CA2683845792.